The following is an entry in ClinVar:

ClinVar aggregate classification (germline): Uncertain significance (1 of 4 stars; one submission).

Conditions:
Hypertrophic cardiomyopathy. Also called: HYPERTROPHIC MYOCARDIOPATHY. Identifiers: Orphanet 217569, MedGen C0007194, MeSH D002312, MONDO:0005045, HP:0001639.

Submission:

All of Us Research Program, National Institutes of Health
Classification: Uncertain significance for Hypertrophic cardiomyopathy. Last evaluated: 2023-04-10. Review status: criteria provided, single submitter. Criteria: ACMG Guidelines, 2015. Collection method: clinical testing. Allele origin: germline. Inheritance: Autosomal dominant inheritance. Observed: 1 variant allele, 1 heterozygote.
Comment: This missense variant replaces aspartic acid with asparagine at codon 136 of the MYL2 protein. Computational prediction suggests that this variant may not impact protein structure and function (internally defined REVEL score threshold <= 0.5, PMID: 27666373). To our knowledge, functional studies have not been reported for this variant. This variant has not been reported in individuals affected with MYL2-related disorders in the literature. This variant has not been identified in the general population by the Genome Aggregation Database (gnomAD). The available evidence is insufficient to determine the role of this variant in disease conclusively. Therefore, this variant is classified as a Variant of Uncertain Significance.

This study involves interpretation of variants in research participants for the purpose of population health screening. Participant phenotype was not available at the time of variant classification. Additional details can be found in publication PMID: 35346344, PMCID: PMC8962531

NM_000432.4(MYL2):c.406G>A (p.Asp136Asn)

Gene: MYL2 (myosin light chain 2; minus strand). Cytogenetic location: 12q24.11.
Variant type: single nucleotide variant.
Coding change: c.406G>A on transcript NM_000432.4 (MANE Select); coding-DNA position 406, G replaced by A.
Protein change: p.Asp136Asn; replaces aspartic acid 136 with asparagine.
Molecular consequence: missense variant.
Genome position (GRCh38, 1-based): chr12:110,911,172, C>T on the plus strand (G>A on the coding strand, the complement: MYL2 is on the minus strand). VCF-style: chr12-110911172-C-T. GRCh37 (hg19) VCF-style: chr12-111348976-C-T.
Other names: c.364G>A, p.Asp122Asn (NM_001406745.1, NM_001406746.1); c.349G>A, p.Asp117Asn (NM_001406916.1); short protein forms D117N, D122N, D136N.
Identifiers: ClinVar variation 3070394 (VCV003070394.1), dbSNP rs2499806229, ClinGen allele CA386697072.